The following is an entry in ClinVar:

NM_024656.4(COLGALT1):c.1182T>G (p.Pro394=)

Gene: COLGALT1 (collagen beta(1-O)galactosyltransferase 1; plus strand). Cytogenetic location: 19p13.11.
Variant type: single nucleotide variant.
Coding change: c.1182T>G on transcript NM_024656.4 (MANE Select); coding-DNA position 1182, T replaced by G.
Protein change: p.Pro394=; no amino-acid change (proline 394 retained).
Molecular consequence: synonymous variant.
Genome position (GRCh38, 1-based): chr19:17,578,005, T>G. VCF-style: chr19-17578005-T-G. GRCh37 (hg19) VCF-style: chr19-17688814-T-G.
Other names: c.1182T>G (NM_024656.3).
Identifiers: ClinVar variation 2046514 (VCV002046514.6), dbSNP rs2115492, ClinGen allele CA9297200.

ClinVar aggregate classification (germline): Benign. Review status: criteria provided, single submitter (1 of 4 stars). 2 submissions from 2 submitters: Benign (1). 1 of the submissions does not count toward it. Last evaluated 2026-02-01.

Conditions:
COLGALT1-related disorder. Also called: COLGALT1-related condition.

Allele frequency attached by ClinVar (database versions not stated): gnomAD exomes 0.00172; ExAC 0.00388; gnomAD 0.01026; ESP Exome Variant Server 0.01046; 1000 Genomes Project 0.01098; 1000 Genomes Project 30x 0.01156; TOPMed 0.01166.
gnomAD v4.1: 4,204 of 1,611,516 alleles (0.26%); highest among the groups gnomAD compares: African/African-American, 3.4%; 36 homozygotes.

Submissions (2):

Labcorp Genetics (formerly Invitae), Labcorp
Classification: Benign. Last evaluated: 2026-02-01. Review status: criteria provided, single submitter. Criteria: Invitae Variant Classification Sherloc (09022015). Collection method: clinical testing. Allele origin: germline.

PreventionGenetics, part of Exact Sciences
Classification: Benign for COLGALT1-related condition. Last evaluated: 2019-06-17. Review status: no assertion criteria provided. Collection method: clinical testing. Allele origin: germline. Not counted in ClinVar's aggregate classification.
Comment: This variant is classified as benign based on ACMG/AMP sequence variant interpretation guidelines (Richards et al. 2015 PMID: 25741868, with internal and published modifications).